The following is an entry in ClinVar:

ClinVar aggregate classification (germline): Uncertain significance (1 of 4 stars; one submission).

Conditions:
Cardiovascular phenotype. Identifiers: MedGen CN230736.

Submission:

Ambry Genetics
Classification: Uncertain significance for Cardiovascular phenotype. Last evaluated: 2018-01-22. Review status: criteria provided, single submitter. Criteria: Ambry Variant Classification Scheme 2023. Collection method: clinical testing. Allele origin: germline.
Comment: The c.345+3G>C intronic variant results from a G to C substitution 3 nucleotides after coding exon 2 in the MYH6 gene. This nucleotide position is not well conserved in available vertebrate species. Using the BDGP and ESEfinder splice site prediction tools, this alteration is predicted to weaken the efficiency of the native splice donor site; however, direct evidence is unavailable. Since supporting evidence is limited at this time, the clinical significance of this alteration remains unclear.

NM_002471.4(MYH6):c.345+3G>C

Genes: MYH6 (myosin heavy chain 6; minus strand), LOC114827851 (VISTA enhancer hs2155; plus strand). Cytogenetic location: 14q11.2.
Variant type: single nucleotide variant.
Coding change: c.345+3G>C on transcript NM_002471.4 (MANE Select); 3 bases into the intron after coding-DNA position 345, G replaced by C.
Molecular consequence: intron variant.
Genome position (GRCh38, 1-based): chr14:23,405,624, C>G on the plus strand (G>C on the coding strand, the complement: MYH6 is on the minus strand). VCF-style: chr14-23405624-C-G. GRCh37 (hg19) VCF-style: chr14-23874833-C-G.
Identifiers: ClinVar variation 1731561 (VCV001731561.2), dbSNP rs1891762234, ClinGen allele CA2123443727.